The following is an entry in ClinVar:

NM_025193.4(HSD3B7):c.662C>T (p.Pro221Leu)

Gene: HSD3B7 (hydroxy-delta-5-steroid dehydrogenase, 3 beta- and steroid delta-isomerase 7; plus strand). Cytogenetic location: 16p11.2.
Variant type: single nucleotide variant.
Coding change: c.662C>T on transcript NM_025193.4 (MANE Select); coding-DNA position 662, C replaced by T.
Protein change: p.Pro221Leu; replaces proline 221 with leucine.
Molecular consequence: missense variant. On other transcripts: intron variant (2).
Genome position (GRCh38, 1-based): chr16:30,986,970, C>T. VCF-style: chr16-30986970-C-T. GRCh37 (hg19) VCF-style: chr16-30998291-C-T.
Other names: c.531+266C>T (NM_001142777.2, NM_001142778.2); short protein forms P221L.
Identifiers: ClinVar variation 2371809 (VCV002371809.3), dbSNP rs760795184, ClinGen allele CA8018066.

ClinVar aggregate classification (germline): Uncertain significance. Review status: criteria provided, multiple submitters, no conflicts (2 of 4 stars). 2 submissions from 2 submitters: Uncertain significance (2). Last evaluated 2025-02-05.

Conditions:
Inborn genetic diseases. Identifiers: MedGen C0950123, MeSH D030342.
HSD3B7-related disorder. Also called: HSD3B7-related condition.

Allele frequency attached by ClinVar (database versions not stated): gnomAD 0.00001; gnomAD exomes 0.00002; TOPMed 0.00003.
gnomAD v4.1: 38 of 1,612,944 alleles (0.0024%); highest among the groups gnomAD compares: South Asian, 0.015%; no homozygotes.

Submissions (2):

PreventionGenetics, part of Exact Sciences
Classification: Uncertain significance for HSD3B7-related condition. Last evaluated: 2025-02-05. Review status: criteria provided, single submitter. Criteria: ACMG Guidelines, 2015. Collection method: clinical testing. Allele origin: germline.
Comment: The HSD3B7 c.662C>T variant is predicted to result in the amino acid substitution p.Pro221Leu. To our knowledge, this variant has not been reported in the literature. This variant is reported in 0.016% of alleles in individuals of South Asian descent in gnomAD. At this time, the clinical significance of this variant is uncertain due to the absence of conclusive functional and genetic evidence.

Ambry Genetics
Classification: Uncertain significance for Inborn genetic diseases. Last evaluated: 2021-12-06. Review status: criteria provided, single submitter. Criteria: Ambry Variant Classification Scheme 2023. Collection method: clinical testing. Allele origin: germline.